The following is an entry in ClinVar:

NM_006908.5(RAC1):c.448+6G>A

Gene: RAC1 (Rac family small GTPase 1; plus strand). Cytogenetic location: 7p22.1.
Variant type: single nucleotide variant.
Coding change: c.448+6G>A on transcript NM_006908.5 (MANE Select); 6 bases into the intron after coding-DNA position 448, G replaced by A.
Molecular consequence: intron variant.
Genome position (GRCh38, 1-based): chr7:6,402,033, G>A. VCF-style: chr7-6402033-G-A. GRCh37 (hg19) VCF-style: chr7-6441664-G-A.
Other names: c.505+6G>A (NM_018890.4).
Identifiers: ClinVar variation 4853779 (VCV004853779.1).

ClinVar aggregate classification (germline): Benign (1 of 4 stars; one submission).

gnomAD v4.1: 83 of 1,611,934 alleles (0.0051%); highest among the groups gnomAD compares: Non-Finnish European, 0.0065%; no homozygotes.

Submission:

Women's Health and Genetics/Laboratory Corporation of America, LabCorp
Classification: Benign. Last evaluated: 2026-05-19. Review status: criteria provided, single submitter. Criteria: LabCorp Variant Classification Summary - May 2015. Collection method: clinical testing. Allele origin: germline.
Comment: Variant summary: RAC1 c.505+6G>A alters a nucleotide located close to a canonical splice site and therefore could affect mRNA splicing, leading to a significantly altered protein sequence. Consensus agreement among computation tools predict no significant impact on normal splicing. However, these predictions have yet to be confirmed by functional studies. The variant allele was found at a frequency of 5.1e-05 in 1611934 control chromosomes. The observed variant frequency exceeds the estimated maximal expected allele frequency for disease-causing variants in RAC1. To our knowledge, no occurrence of c.505+6G>A in individuals affected with RAC1-related conditions and no experimental evidence demonstrating its impact on protein function have been reported. No submitters have cited clinical-significance assessments for this variant to ClinVar. Based on the evidence outlined above, the variant was classified as benign.